The following is an entry in ClinVar:

ClinVar aggregate classification (germline): Likely pathogenic (1 of 4 stars; one submission).

Conditions:
Parkinsonian-pyramidal syndrome. Also called: PARKINSON DISEASE 15, AUTOSOMAL RECESSIVE; PARKINSON DISEASE 15, AUTOSOMAL RECESSIVE EARLY-ONSET; PALLIDOPYRAMIDAL SYNDROME. Identifiers: Orphanet 171695, MedGen C1850100, MONDO:0009830, OMIM 260300.

gnomAD v4.1: 5 of 1,613,458 alleles (0.00031%); highest among the groups gnomAD compares: Non-Finnish European, 0.00034%; no homozygotes.

Submission:

Labcorp Genetics (formerly Invitae), Labcorp
Classification: Likely pathogenic for Parkinsonian-pyramidal syndrome. Last evaluated: 2023-03-22. Review status: criteria provided, single submitter. Criteria: Invitae Variant Classification Sherloc (09022015). Collection method: clinical testing. Allele origin: germline.
Comment: Algorithms developed to predict the effect of sequence changes on RNA splicing suggest that this variant may disrupt the consensus splice site. In summary, the currently available evidence indicates that the variant is pathogenic, but additional data are needed to prove that conclusively. Therefore, this variant has been classified as Likely Pathogenic. This variant has not been reported in the literature in individuals affected with FBXO7-related conditions. This sequence change affects an acceptor splice site in intron 2 of the FBXO7 gene. It is expected to disrupt RNA splicing. Variants that disrupt the donor or acceptor splice site typically lead to a loss of protein function (PMID: 16199547), and loss-of-function variants in FBXO7 are known to be pathogenic (PMID: 21347293). This variant is present in population databases (rs762209257, gnomAD 0.0009%).

Literature cited by the submitters: PubMed 16199547; PubMed 21347293.

NM_012179.4(FBXO7):c.418-2A>G

Gene: FBXO7 (F-box protein 7; plus strand). Cytogenetic location: 22q12.3.
Variant type: single nucleotide variant.
Coding change: c.418-2A>G on transcript NM_012179.4 (MANE Select); the canonical splice acceptor site of the intron before coding-DNA position 418, A replaced by G.
Molecular consequence: splice acceptor variant.
Genome position (GRCh38, 1-based): chr22:32,483,895, A>G. VCF-style: chr22-32483895-A-G. GRCh37 (hg19) VCF-style: chr22-32879882-A-G.
Other names: c.76-2A>G (NM_001257990.2); c.181-2A>G (NM_001033024.2).
Identifiers: ClinVar variation 2914242 (VCV002914242.3), dbSNP rs762209257, ClinGen allele CA10201430.
Genomic context (GRCh38, chr22:32,483,895, plus strand): 5'-CAAAAATGTATAGTGTAAAAATAAGTCTTTAATTAATTCATTGTTTTGTTTTCCTTTTTC[A>G]GTTAGGGCCTAGTCAAAATTTTGAAGCTGAGTCAATTCAAGATAATGCGCATATGGCAGA-3'